The following is an entry in ClinVar:

ClinVar aggregate classification (germline): Likely benign (1 of 4 stars; one submission).

Allele frequency attached by ClinVar (database versions not stated): gnomAD 0.00001; gnomAD exomes 0.00002; ExAC 0.00005; 1000 Genomes Project 30x 0.00016; 1000 Genomes Project 0.00020.
gnomAD v4.1: 28 of 1,614,136 alleles (0.0017%); highest among the groups gnomAD compares: Middle Eastern, 0.016%; no homozygotes.

Submission:

CeGaT Center for Human Genetics Tuebingen
Classification: Likely benign. Last evaluated: 2022-12-01. Review status: criteria provided, single submitter. Criteria: CeGaT Center For Human Genetics Tuebingen Variant Classification Criteria Version 2. Collection method: clinical testing. Allele origin: germline. Affected: yes. Observed: 1 variant allele.
Comment: C5: BP4

NM_001735.3(C5):c.3977A>G (p.Tyr1326Cys)

Gene: C5 (complement C5; minus strand). Cytogenetic location: 9q33.2.
Variant type: single nucleotide variant.
Coding change: c.3977A>G on transcript NM_001735.3 (MANE Select); coding-DNA position 3977, A replaced by G.
Protein change: p.Tyr1326Cys; replaces tyrosine 1326 with cysteine.
Molecular consequence: missense variant.
Genome position (GRCh38, 1-based): chr9:120,974,819, T>C on the plus strand (A>G on the coding strand, the complement: C5 is on the minus strand). VCF-style: chr9-120974819-T-C. GRCh37 (hg19) VCF-style: chr9-123737097-T-C.
Other names: c.3995A>G, p.Tyr1332Cys (NM_001317163.2); short protein forms Y1326C, Y1332C.
Identifiers: ClinVar variation 2659470 (VCV002659470.24), dbSNP rs532717660, ClinGen allele CA5217345.